The following is an entry in ClinVar:

NC_000001.10:g.(?_215901352)_(215940150_?)del

Gene: USH2A (usherin; minus strand). Cytogenetic location: 1q41.
Variant type: Deletion.
Identifiers: ClinVar variation 3248070 (VCV003248070.1).

ClinVar aggregate classification (germline): Pathogenic (1 of 4 stars; one submission).

Submission:

Labcorp Genetics (formerly Invitae), Labcorp
Classification: Pathogenic. Last evaluated: 2023-11-28. Review status: criteria provided, single submitter. Criteria: Invitae Variant Classification Sherloc (09022015). Collection method: clinical testing. Allele origin: unknown.
Comment: This variant is a gross deletion of the genomic region encompassing exon(s) 56-61 of the USH2A gene. This deletion is out-of-frame, and is expected to create a premature termination codon and result in an absent or disrupted protein product. Loss-of-function variants in USH2A are known to be pathogenic (PMID: 10729113, 10909849, 20507924, 25649381). This variant has not been reported in the literature in individuals affected with USH2A-related conditions. For these reasons, this variant has been classified as Pathogenic.

Literature cited by the submitters: PubMed 10729113; PubMed 10909849; PubMed 20507924; PubMed 25649381.